The following is an entry in ClinVar:

NM_152383.5(DIS3L2):c.58T>C (p.Ser20Pro)

Gene: DIS3L2 (DIS3 like 3'-5' exoribonuclease 2; plus strand). Cytogenetic location: 2q37.1.
Variant type: single nucleotide variant.
Coding change: c.58T>C on transcript NM_152383.5 (MANE Select); coding-DNA position 58, T replaced by C.
Protein change: p.Ser20Pro; replaces serine 20 with proline.
Molecular consequence: missense variant. On other transcripts: non-coding transcript variant (2).
Genome position (GRCh38, 1-based): chr2:232,015,519, T>C. VCF-style: chr2-232015519-T-C. GRCh37 (hg19) VCF-style: chr2-232880229-T-C.
Other names: c.58T>C, p.Ser20Pro (NM_001257281.2, NM_001257282.2); short protein forms S20P.
Identifiers: ClinVar variation 1368975 (VCV001368975.6), dbSNP rs375960593, ClinGen allele CA2163707.

ClinVar aggregate classification (germline): Uncertain significance (1 of 4 stars; one submission).

Conditions:
Perlman syndrome (PRLMNS). Identifiers: Orphanet 2849, MedGen C0796113, MONDO:0009965, OMIM 267000.

Allele frequency attached by ClinVar (database versions not stated): gnomAD exomes below 0.00001; ExAC 0.00001; ESP Exome Variant Server 0.00008.

Submission:

Labcorp Genetics (formerly Invitae), Labcorp
Classification: Uncertain significance for Perlman syndrome. Last evaluated: 2021-09-29. Review status: criteria provided, single submitter. Criteria: Invitae Variant Classification Sherloc (09022015). Collection method: clinical testing. Allele origin: germline.
Comment: This variant has not been reported in the literature in individuals affected with DIS3L2-related conditions. In summary, the available evidence is currently insufficient to determine the role of this variant in disease. Therefore, it has been classified as a Variant of Uncertain Significance. Algorithms developed to predict the effect of missense changes on protein structure and function output the following: SIFT: "Tolerated"; PolyPhen-2: "Benign"; Align-GVGD: "Class C0". The proline amino acid residue is found in multiple mammalian species, which suggests that this missense change does not adversely affect protein function. This variant is present in population databases (rs375960593, ExAC 0.01%). This sequence change replaces serine with proline at codon 20 of the DIS3L2 protein (p.Ser20Pro). The serine residue is weakly conserved and there is a moderate physicochemical difference between serine and proline.